The following is an entry in ClinVar:

NM_177924.5(ASAH1):c.*160T>C

Gene: ASAH1 (N-acylsphingosine amidohydrolase 1; minus strand). Cytogenetic location: 8p22.
Variant type: single nucleotide variant.
Coding change: c.*160T>C on transcript NM_177924.5 (MANE Select); 160 bases downstream of the stop codon, T replaced by C.
Molecular consequence: 3 prime UTR variant.
Genome position (GRCh38, 1-based): chr8:18,057,374, A>G on the plus strand (T>C on the coding strand, the complement: ASAH1 is on the minus strand). VCF-style: chr8-18057374-A-G. GRCh37 (hg19) VCF-style: chr8-17914883-A-G.
Other names: c.*160T>C (NM_001127505.3, NM_001363743.2, NM_004315.6).
Identifiers: ClinVar variation 362371 (VCV000362371.9), dbSNP rs574774, ClinGen allele CA10625095.

ClinVar aggregate classification (germline): Benign. Review status: criteria provided, multiple submitters, no conflicts (2 of 4 stars). 3 submissions from 3 submitters: Benign (3). Last evaluated 2018-07-06.

Conditions:
Farber lipogranulomatosis (FRBRL). Also called: Farber's lipogranulomatosis; Farber's disease; Farber disease; AC DEFICIENCY; ACID CERAMIDASE DEFICIENCY; CERAMIDASE DEFICIENCY. Identifiers: Orphanet 333, MedGen C0268255, MONDO:0009218, OMIM 228000.

Allele frequency attached by ClinVar (database versions not stated): gnomAD exomes 0.06297; gnomAD 0.09272 and 0.09443; TOPMed 0.09891; 1000 Genomes Project 0.10603; 1000 Genomes Project 30x 0.11071.
gnomAD v4.1: 34,591 of 478,720 alleles (7.2%); highest among the groups gnomAD compares: African/African-American, 18%; 1,786 homozygotes.

Submissions (3):

GeneDx
Classification: Benign. Last evaluated: 2018-07-06. Review status: criteria provided, single submitter. Criteria: GeneDx Variant Classification Process June 2021. Collection method: clinical testing. Allele origin: germline. Affected: yes.

Illumina Laboratory Services, Illumina
Classification: Benign for Farber lipogranulomatosis. Last evaluated: 2018-01-13. Review status: criteria provided, single submitter. Criteria: ICSL Variant Classification Criteria 13 December 2019. Collection method: clinical testing. Allele origin: germline.
Comment: This variant was observed in the ICSL laboratory as part of a predisposition screen in an ostensibly healthy population. It had not been previously curated by ICSL or reported in the Human Gene Mutation Database (HGMD: prior to June 1st, 2018), and was therefore a candidate for classification through an automated scoring system. Utilizing variant allele frequency, disease prevalence and penetrance estimates, and inheritance mode, an automated score was calculated to assess if this variant is too frequent to cause the disease. Based on the score and internal cut-off values, a variant classified as benign is not then subjected to further curation. The score for this variant resulted in a classification of benign for this disease.

Breakthrough Genomics
Classification: Benign. Review status: criteria provided, single submitter. Criteria: ACMG Guidelines, 2015. Collection method: not provided. Allele origin: germline. Inheritance: Autosomal recessive inheritance. Affected: yes.